The following is an entry in ClinVar:

NM_006035.4(CDC42BPB):c.3419G>T (p.Gly1140Val)

Gene: CDC42BPB (CDC42 binding protein kinase beta; minus strand). Cytogenetic location: 14q32.32.
Variant type: single nucleotide variant.
Coding change: c.3419G>T on transcript NM_006035.4 (MANE Select); coding-DNA position 3419, G replaced by T.
Protein change: p.Gly1140Val; replaces glycine 1140 with valine.
Molecular consequence: missense variant.
Genome position (GRCh38, 1-based): chr14:102,949,795, C>A on the plus strand (G>T on the coding strand, the complement: CDC42BPB is on the minus strand). VCF-style: chr14-102949795-C-A. GRCh37 (hg19) VCF-style: chr14-103416132-C-A.
Other names: c.3341G>T, p.Gly1114Val (NM_001411054.1); short protein forms G1114V, G1140V.
Identifiers: ClinVar variation 3346724 (VCV003346724.1).

ClinVar aggregate classification (germline): Uncertain significance (0 of 4 stars; one submission).

Conditions:
CDC42BPB-related disorder.

Submission:

PreventionGenetics, part of Exact Sciences
Classification: Uncertain significance for CDC42BPB-related condition. Last evaluated: 2024-09-16. Review status: no assertion criteria provided. Collection method: clinical testing. Allele origin: germline.
Comment: The CDC42BPB c.3419G>T variant is predicted to result in the amino acid substitution p.Gly1140Val. To our knowledge, this variant has not been reported in the literature or in a large population database, indicating this variant is rare. At this time, the clinical significance of this variant is uncertain due to the absence of conclusive functional and genetic evidence.